The following is an entry in ClinVar:

ClinVar aggregate classification (germline): Conflicting classifications of pathogenicity. Review status: criteria provided, conflicting classifications (1 of 4 stars). 4 submissions from 4 submitters: Uncertain significance (3); Likely benign (1). Last evaluated 2024-07-01.

Conditions:
Inborn genetic diseases. Identifiers: MedGen C0950123, MeSH D030342.
Early-infantile DEE. Also called: Ohtahara syndrome; Early infantile epileptic encephalopathy; Early infantile epileptic encephalopathy with suppression bursts. Identifiers: Orphanet 1934, MedGen C0393706, MONDO:0800491.
Developmental and epileptic encephalopathy, 5 (DEE5). Identifiers: Orphanet 3451, MedGen C3150731, MONDO:0013277, OMIM 613477.

Allele frequency attached by ClinVar (database versions not stated): gnomAD 0.00001; TOPMed 0.00002; gnomAD exomes 0.00003 and 0.00004; ExAC 0.00004.
gnomAD v4.1: 44 of 1,614,094 alleles (0.0027%); highest among the groups gnomAD compares: East Asian, 0.096%; no homozygotes.

Submissions (4):

Ambry Genetics
Classification: Likely benign for Inborn genetic diseases. Last evaluated: 2024-07-01. Review status: criteria provided, single submitter. Criteria: Ambry Variant Classification Scheme 2023. Collection method: clinical testing. Allele origin: germline.

Labcorp Genetics (formerly Invitae), Labcorp
Classification: Uncertain significance for Early-infantile DEE. Last evaluated: 2024-07-01. Review status: criteria provided, single submitter. Criteria: Invitae Variant Classification Sherloc (09022015). Collection method: clinical testing. Allele origin: germline.
Comment: This sequence change replaces lysine, which is basic and polar, with arginine, which is basic and polar, at codon 2005 of the SPTAN1 protein (p.Lys2005Arg). This variant is present in population databases (rs754276364, gnomAD 0.06%). This variant has not been reported in the literature in individuals affected with SPTAN1-related conditions. ClinVar contains an entry for this variant (Variation ID: 207346). Advanced modeling of protein sequence and biophysical properties (such as structural, functional, and spatial information, amino acid conservation, physicochemical variation, residue mobility, and thermodynamic stability) has been performed at Invitae for this missense variant, however the output from this modeling did not meet the statistical confidence thresholds required to predict the impact of this variant on SPTAN1 protein function. In summary, the available evidence is currently insufficient to determine the role of this variant in disease. Therefore, it has been classified as a Variant of Uncertain Significance.

Genome-Nilou Lab
Classification: Uncertain significance for Developmental and epileptic encephalopathy, 5. Last evaluated: 2021-07-15. Review status: criteria provided, single submitter. Criteria: ACMG Guidelines, 2015. Collection method: clinical testing. Allele origin: germline. Affected: no.

GeneDx
Classification: Uncertain significance. Last evaluated: 2012-09-20. Review status: criteria provided, single submitter. Criteria: GeneDx Variant Classification (06012015). Collection method: clinical testing. Allele origin: germline. Affected: yes.
Comment: p.Lys2005Arg (AAG>AGG):c.6014 A>G in exon 47 of the SPTAN1 gene (NM_001130438.1) The Lys2005Arg missense change has not been published as a mutation, nor has it been reported as a benign polymorphism to our knowledge. The NHLBI ESP Exome Variant Project has not identified Lys2005Arg in approximately 6,500 individuals of European or African American ethnicity, indicating that it is not a common benign variant in these populations. Lys2005Arg alters a position in the alpha-II spectrin protein that is highly conserved and it is located in the last spectrin repeat of the protein, which is essential for dimerization and where previous pathogenic mutations have been reported (Saitsu et al., 2010). However, the amino acid substitution is conservative, as both Lysine and Arginine are positively charged amino acid residues. One in silico algorithm predicts Lys2005Arg is damaging to protein structure and/or function, although other models suggest that it likely not pathogenic. Therefore, based on the currently available information, it is unclear whether Lys2005Arg is a disease-causing mutation or a rare benign variant. The variant is found in EPILEPSY panel(s).

NM_001130438.3(SPTAN1):c.6014A>G (p.Lys2005Arg)

Gene: SPTAN1 (spectrin alpha, non-erythrocytic 1; plus strand). Cytogenetic location: 9q34.11.
Variant type: single nucleotide variant.
Coding change: c.6014A>G on transcript NM_001130438.3 (MANE Select); coding-DNA position 6014, A replaced by G.
Protein change: p.Lys2005Arg; replaces lysine 2005 with arginine.
Molecular consequence: missense variant.
Genome position (GRCh38, 1-based): chr9:128,625,124, A>G. VCF-style: chr9-128625124-A-G. GRCh37 (hg19) VCF-style: chr9-131387403-A-G.
Other names: p.K2005R:AAG>AGG; c.5939A>G, p.Lys1980Arg (NM_001195532.2); c.6014A>G, p.Lys2005Arg (NM_001363759.2); c.5954A>G, p.Lys1985Arg (NM_001363765.2); c.5999A>G, p.Lys2000Arg (NM_003127.4); short protein forms K2005R, K1980R, K2000R, K1985R.
Identifiers: ClinVar variation 207346 (VCV000207346.15), dbSNP rs754276364, ClinGen allele CA318722.